The following is an entry in ClinVar:

NM_000263.4(NAGLU):c.358G>T (p.Glu120Ter)

Gene: NAGLU (N-acetyl-alpha-glucosaminidase; plus strand). Cytogenetic location: 17q21.2.
Variant type: single nucleotide variant.
Coding change: c.358G>T on transcript NM_000263.4 (MANE Select); coding-DNA position 358, G replaced by T.
Protein change: p.Glu120Ter; replaces glutamic acid 120 with a stop codon.
Molecular consequence: nonsense.
Genome position (GRCh38, 1-based): chr17:42,536,630, G>T. VCF-style: chr17-42536630-G-T. GRCh37 (hg19) VCF-style: chr17-40688648-G-T.
Other names: short protein forms E120*.
Identifiers: ClinVar variation 552642 (VCV000552642.16), dbSNP rs1445294968, ClinGen allele CA399596279.

ClinVar aggregate classification (germline): Pathogenic. Review status: criteria provided, multiple submitters, no conflicts (2 of 4 stars). 5 submissions from 5 submitters: Pathogenic (4). 1 of the submissions does not count toward it. Last evaluated 2025-08-07.

Conditions:
Mucopolysaccharidosis, MPS-III-B (MPS3B). Also called: SANFILIPPO SYNDROME B; MPS III B; MUCOPOLYSACCHARIDOSIS, TYPE IIIB; Mucopolysaccharidosis type IIIB (Sanfilippo B); MPS IIIB (Sanfilippo Syndrome Type B); N-ACETYL-ALPHA-D-GLUCOSAMINIDASE DEFICIENCY. Identifiers: Orphanet 79270, MedGen C0086648, MONDO:0009656, OMIM 252920.
Charcot-Marie-Tooth disease axonal type 2V. Also called: CHARCOT-MARIE-TOOTH NEUROPATHY, TYPE 2V; CHARCOT-MARIE-TOOTH DISEASE, AXONAL, AUTOSOMAL DOMINANT, TYPE 2V. Identifiers: Orphanet 447964, MedGen C5569050, MONDO:0014665, OMIM 616491.
NAGLU-related disorder. Also called: NAGLU-related condition.

Allele frequency attached by ClinVar (database versions not stated): TOPMed below 0.00001.
gnomAD v4.1: 5 of 1,499,670 alleles (0.00033%); highest among the groups gnomAD compares: Non-Finnish European, 0.00044%; no homozygotes.

Submissions (5):

Natera, Inc.
Classification: Pathogenic for Mucopolysaccharidosis type IIIB. Last evaluated: 2025-08-07. Review status: criteria provided, single submitter. Criteria: Natera Variant Classification Schema (03/2026). Collection method: clinical testing. Allele origin: germline.
Comment: The c.358G>T variant in NAGLU is a nonsense variant predicted to introduce a stop codon at amino acid 120. This variant is expected to result in nonsense mediated decay, truncation, or a dysfunctional protein product. This variant is rare in the general population with a frequency below the threshold expected for the associated phenotype(s). This variant has been observed in one or more individuals affected with the associated recessive disease, as either homozygous or compound heterozygous with a second variant (PMID: 19046346). Given the available evidence, this variant is classified as Pathogenic.

Labcorp Genetics (formerly Invitae), Labcorp
Classification: Pathogenic for Charcot-Marie-Tooth disease axonal type 2V; Mucopolysaccharidosis, MPS-III-B. Last evaluated: 2024-05-15. Review status: criteria provided, single submitter. Criteria: Invitae Variant Classification Sherloc (09022015). Collection method: clinical testing. Allele origin: germline.
Comment: This sequence change creates a premature translational stop signal (p.Glu120*) in the NAGLU gene. It is expected to result in an absent or disrupted protein product. Loss-of-function variants in NAGLU are known to be pathogenic (PMID: 9832037, 10094189, 16151907). This variant is not present in population databases (gnomAD no frequency). This premature translational stop signal has been observed in individual(s) with mucopolysaccharidosis type III (PMID: 19046346, 27590925, 29661560). ClinVar contains an entry for this variant (Variation ID: 552642). For these reasons, this variant has been classified as Pathogenic.

Blueprint Genetics
Classification: Pathogenic for NAGLU-related disorders. Last evaluated: 2024-01-10. Review status: criteria provided, single submitter. Criteria: ACMG Guidelines, 2015. Collection method: clinical testing. Allele origin: germline. Affected: yes. Observed: 2 variant alleles.

Women's Health and Genetics/Laboratory Corporation of America, LabCorp
Classification: Pathogenic for Mucopolysaccharidosis, MPS-III-B. Last evaluated: 2020-12-04. Review status: criteria provided, single submitter. Criteria: LabCorp Variant Classification Summary - May 2015. Collection method: clinical testing. Allele origin: germline.
Comment: Variant summary: NAGLU c.358G>T (p.Glu120X) results in a premature termination codon, predicted to cause a truncation of the encoded protein or absence of the protein due to nonsense mediated decay, which are commonly known mechanisms for disease. The variant was absent in 96200 control chromosomes (gnomAD). c.358G>T has been reported in the literature in multiple individuals affected with Mucopolysaccharidosis Type IIIB (Sanfilippo Syndrome B) (Whitley_2018, Truxal_2016, Pollard_2013, Piotrowska_2008). These data indicate that the variant is very likely to be associated with disease. No enzymatic activity was found in a patient derived sample who was compound heterozygous for the variant of interest and another possible pathogenic variant (Pollard_2013). Two ClinVar submitters (evaluation after 2014) cite the variant as pathogenic. Based on the evidence outlined above, the variant was classified as pathogenic.

Counsyl
Classification: Pathogenic for Mucopolysaccharidosis, MPS-III-B. Last evaluated: 2017-06-26. Review status: no assertion criteria provided. Collection method: clinical testing. Allele origin: unknown. Not counted in ClinVar's aggregate classification.

Literature cited by the submitters: PubMed 19046346 (cited by 4 submitters); PubMed 9832037 (cited by Labcorp Genetics (formerly Invitae), Labcorp); PubMed 10094189 (cited by Labcorp Genetics (formerly Invitae), Labcorp); PubMed 16151907 (cited by Labcorp Genetics (formerly Invitae), Labcorp); PubMed 27590925 (cited by Labcorp Genetics (formerly Invitae), Labcorp and Women's Health and Genetics/Laboratory Corporation of America, LabCorp); PubMed 29661560 (cited by Labcorp Genetics (formerly Invitae), Labcorp and Women's Health and Genetics/Laboratory Corporation of America, LabCorp); PubMed 22976768 (cited by Women's Health and Genetics/Laboratory Corporation of America, LabCorp).